The following is an entry in ClinVar:

ClinVar aggregate classification (germline): Pathogenic. Review status: criteria provided, multiple submitters, no conflicts (2 of 4 stars). 6 submissions from 6 submitters: Pathogenic (5). 1 of the submissions does not count toward it. Last evaluated 2026-02-05.

Conditions:
Wieacker-Wolff syndrome (spectrum). Identifiers: MedGen CN294724, MONDO:0025445.
Inborn genetic diseases. Identifiers: MedGen C0950123, MeSH D030342.
Wieacker-Wolff syndrome. Also called: Wieacker-Wolff, X-linked recessive; Intellectual disability-developmental delay-contractures syndrome; MENTAL RETARDATION, X-LINKED, SYNDROMIC 4; MENTAL RETARDATION, X-LINKED, WITH CONGENITAL CONTRACTURES AND LOW FINGERTIP ARCHES; Miles-Carpenter syndrome; APRAXIA, OCULOMOTOR, WITH CONGENITAL CONTRACTURES AND MUSCLE ATROPHY. Identifiers: Orphanet 3454, Orphanet 85283, MedGen C0796200, MONDO:0010758, OMIM 314580.

Submissions (6):

Victorian Clinical Genetics Services, Murdoch Childrens Research Institute
Classification: Pathogenic for Wieacker-Wolff syndrome (spectrum). Last evaluated: 2026-02-05. Review status: criteria provided, single submitter. Criteria: ACMG Guidelines, 2015. Collection method: clinical testing. Allele origin: germline. Affected: yes.
Comment: This variant is classified as Pathogenic. Evidence in support of pathogenic classification: Variant is absent from gnomAD (v2, v3 and v4); This variant has strong previous evidence of pathogenicity in unrelated individuals. This variant has been classified as pathogenic by multiple clinical laboratories in ClinVar, and reported in a number of affected individuals with syndromic developmental delay in the literature, with affected females demonstrating a milder phenotype (Clinvar, PMID: 23623388, 26056227, 33739554, 31206972); This variant has strong evidence for segregation with disease. This variant has been demonstrated to segregate with disease in affected individuals from three unrelated families with an intellectual disability phenotype (PMID: 23623388, 26056227). Additional information: Variant is predicted to result in a missense amino acid change from arginine to tryptophan; This variant is heterozygous; This gene is associated with both X linked recessive and dominant disease. Affected males with X linked recessive inheritance typically have missense variants that are presumed hypomorphic, while affected females with X linked dominant inheritance tend to have de novo loss of function variants, although affected carrier females have been documented with either type of variant (Clingen: CCID:006572); Loss-of-function is a known mechanism of disease for this gene and is associated with both Wieacker-Wolff syndrome (MIM#314580) and female-restricted Wieacker-Wolff syndrome (MIM#301041); Inheritance information for this variant is not currently available in this individual.

Institute of Medical Genetics and Applied Genomics, University Hospital Tübingen
Classification: Pathogenic for Wieacker-Wolff syndrome. Last evaluated: 2025-05-05. Review status: criteria provided, single submitter. Criteria: ACMG Guidelines, 2015. Collection method: clinical testing. Allele origin: germline. Inheritance: X-linked recessive inheritance. Affected: yes.

Ambry Genetics
Classification: Pathogenic for Inborn genetic diseases. Last evaluated: 2022-02-14. Review status: criteria provided, single submitter. Criteria: Ambry Variant Classification Scheme 2023. Collection method: clinical testing. Allele origin: germline.
Comment: The c.637C>T (p.R213W) alteration is located in exon 5 (coding exon 5) of the ZC4H2 gene. This alteration results from a C to T substitution at nucleotide position 637, causing the arginine (R) at amino acid position 213 to be replaced by a tryptophan (W). This variant was not reported in population-based cohorts in the Genome Aggregation Database (gnomAD). This variant co-segregated in multiple families in individuals with ZC4H2-related disorder (Hirata, 2013; May, 2015). This variant has been determined to be the result of a de novo mutation in an individual with ZC4H2-related disorder (Frints, 2019). This amino acid position is highly conserved in available vertebrate species. This alteration is predicted to disrupt the nuclear localization signal motif (Ambry internal data; Hirata, 2013; May, 2015) and has been determined to impact protein function (Hirata, 2013; May, 2015; Ma, 2017) This alteration is predicted to be deleterious by in silico analysis. Based on the available evidence, this alteration is classified as pathogenic.

GeneDx
Classification: Pathogenic. Last evaluated: 2021-12-10. Review status: criteria provided, single submitter. Criteria: GeneDx Variant Classification Process June 2021. Collection method: clinical testing. Allele origin: germline. Affected: yes.
Comment: Not observed at significant frequency in large population cohorts (gnomAD); In silico analysis supports that this missense variant has a deleterious effect on protein structure/function; This variant is associated with the following publications: (PMID: 23623388, 26056227, 28345801, 29150902, 33504798, 33739554, 31206972)

Labcorp Genetics (formerly Invitae), Labcorp
Classification: Pathogenic. Last evaluated: 2017-07-06. Review status: criteria provided, single submitter. Criteria: Invitae Variant Classification Sherloc (09022015). Collection method: clinical testing. Allele origin: germline.
Comment: This variant is not present in population databases (ExAC no frequency). This sequence change replaces arginine with tryptophan at codon 213 of the ZC4H2 protein (p.Arg213Trp). The arginine residue is highly conserved and there is a moderate physicochemical difference between arginine and tryptophan. This variant has been reported to segregate with disease in two families affected with arthrogryposis multiplex congenita and intellectual disability (PMID: 23623388) and another family affected with intellectual disability, contractures, and spasticity (PMID: 26056227). ClinVar contains an entry for this variant (Variation ID: 50983). For these reasons, this variant has been classified as Pathogenic. Experimental studies have shown that this missense change is unable to rescue the phenotype in a zebrafish knockout model (PMID: 26056227).

OMIM
Classification: Pathogenic for WIEACKER-WOLFF SYNDROME. Last evaluated: 2013-05-02. Review status: no assertion criteria provided. Collection method: literature only. Allele origin: germline. Not counted in ClinVar's aggregate classification.

Literature cited by the submitters: PubMed 31206972 (cited by Victorian Clinical Genetics Services, Murdoch Childrens Research Institute and Ambry Genetics); PubMed 23623388 (cited by 4 submitters); PubMed 33739554 (cited by Victorian Clinical Genetics Services, Murdoch Childrens Research Institute); PubMed 26056227 (cited by 4 submitters); PubMed 25644381 (cited by Ambry Genetics); PubMed 28814648 (cited by Ambry Genetics and OMIM).

NM_018684.4(ZC4H2):c.637C>T (p.Arg213Trp)

Gene: ZC4H2 (zinc finger C4H2-type containing; minus strand). Cytogenetic location: Xq11.2.
Variant type: single nucleotide variant.
Coding change: c.637C>T on transcript NM_018684.4 (MANE Select); coding-DNA position 637, C replaced by T.
Protein change: p.Arg213Trp; replaces arginine 213 with tryptophan.
Molecular consequence: missense variant. On other transcripts: synonymous variant (1), non-coding transcript variant (1).
Genome position (GRCh38, 1-based): chrX:64,917,821, G>A on the plus strand (C>T on the coding strand, the complement: ZC4H2 is on the minus strand). VCF-style: chrX-64917821-G-A. GRCh37 (hg19) VCF-style: chrX-64137701-G-A.
Other names: c.568C>T, p.Arg190Trp (NM_001178032.3, NM_001243804.2); c.474C>T, p.Pro158= (NM_001178033.3); short protein forms R213W, R190W.
Identifiers: ClinVar variation 50983 (VCV000050983.17), dbSNP rs879255236, ClinGen allele CA10575581.